The following is an entry in ClinVar:

NM_000222.3(KIT):c.2663G>T (p.Arg888Leu)

Gene: KIT (KIT proto-oncogene, receptor tyrosine kinase; plus strand). Cytogenetic location: 4q12.
Variant type: single nucleotide variant.
Coding change: c.2663G>T on transcript NM_000222.3 (MANE Select); coding-DNA position 2663, G replaced by T.
Protein change: p.Arg888Leu; replaces arginine 888 with leucine.
Molecular consequence: missense variant.
Genome position (GRCh38, 1-based): chr4:54,736,787, G>T. VCF-style: chr4-54736787-G-T. GRCh37 (hg19) VCF-style: chr4-55602953-G-T.
Other names: c.2651G>T, p.Arg884Leu (NM_001093772.2, NM_001385292.1); c.2666G>T, p.Arg889Leu (NM_001385284.1); c.2660G>T, p.Arg887Leu (NM_001385285.1); c.2648G>T, p.Arg883Leu (NM_001385286.1); c.2654G>T, p.Arg885Leu (NM_001385288.1); c.2663G>T, p.Arg888Leu (NM_001385290.1); short protein forms R888L, R884L, R883L, R885L, R887L, R889L.
Identifiers: ClinVar variation 972569 (VCV000972569.10), dbSNP rs776681643, ClinGen allele CA356913963.

ClinVar aggregate classification (germline): Uncertain significance (1 of 4 stars; one submission).

Conditions:
Gastrointestinal stromal tumor. Also called: Gastrointestinal stromal tumor, somatic; Gastrointestinal stroma tumor. Identifiers: Orphanet 44890, MedGen C0238198, MeSH D046152, MONDO:0011719, OMIM 606764, HP:0100723.

Submission:

Labcorp Genetics (formerly Invitae), Labcorp
Classification: Uncertain significance for Gastrointestinal stromal tumor. Last evaluated: 2019-10-09. Review status: criteria provided, single submitter. Criteria: Invitae Variant Classification Sherloc (09022015). Collection method: clinical testing. Allele origin: germline.
Comment: This sequence change replaces arginine with leucine at codon 888 of the KIT protein (p.Arg888Leu). The arginine residue is highly conserved and there is a moderate physicochemical difference between arginine and leucine. This variant is not present in population databases (ExAC no frequency). This variant has not been reported in the literature in individuals with KIT-related conditions. Algorithms developed to predict the effect of missense changes on protein structure and function (SIFT, PolyPhen-2, Align-GVGD) all suggest that this variant is likely to be disruptive, but these predictions have not been confirmed by published functional studies and their clinical significance is uncertain. In summary, the available evidence is currently insufficient to determine the role of this variant in disease. Therefore, it has been classified as a Variant of Uncertain Significance.